The following is an entry in ClinVar:

NM_182760.4(SUMF1):c.691dup (p.Trp231fs)

Gene: SUMF1 (sulfatase modifying factor 1; minus strand). Cytogenetic location: 3p26.1.
Variant type: Duplication.
Coding change: c.691dup on transcript NM_182760.4 (MANE Select); coding-DNA position 691, one base duplicated (T; older notation c.691dupT).
Protein change: p.Trp231fs; shifts the reading frame from tryptophan 231.
Molecular consequence: frameshift variant.
Genome position (GRCh38, 1-based): chr3:4,418,044, A duplicated on the plus strand (T on the coding strand, the reverse complement: SUMF1 is on the minus strand). VCF-style (leftmost placement, unchanged base first): chr3-4418043-C-CA. GRCh37 (hg19) VCF-style: chr3-4459727-C-CA.
Other names: c.616dup, p.Trp206fs (NM_001164674.2); c.691dup, p.Trp231fs (NM_001164675.2); c.691dupT (NM_182760.3); short protein forms W231fs, W206fs.
Identifiers: ClinVar variation 928845 (VCV000928845.17), dbSNP rs748337915, ClinGen allele CA2230497.

ClinVar aggregate classification (germline): Pathogenic. Review status: criteria provided, multiple submitters, no conflicts (2 of 4 stars). 8 submissions from 8 submitters: Pathogenic (8). Last evaluated 2025-12-03.

Conditions:
Multiple sulfatase deficiency (MSD). Also called: Mucosulfatidosis; Multiple Sulfatase Deficiency Disease; Sulfatidosis, Juvenile, Austin Type. Identifiers: Orphanet 585, MedGen C0268263, MONDO:0010088, OMIM 272200.

Allele frequency attached by ClinVar (database versions not stated): gnomAD below 0.00001 and 0.00002; TOPMed below 0.00001; gnomAD exomes 0.00001 and 0.00002; ExAC 0.00003.

Submissions (8):

Natera, Inc.
Classification: Pathogenic for Multiple sulfatase deficiency. Last evaluated: 2025-12-03. Review status: criteria provided, single submitter. Criteria: Natera Variant Classification Schema (03/2026). Collection method: clinical testing. Allele origin: germline.
Comment: The c.691dupT variant in SUMF1 is a frameshift variant predicted to shift the reading frame beginning at codon 231 and leads to a stop codon 11 codons downstream. This variant is expected to result in nonsense mediated decay, truncation, or a dysfunctional protein product. This variant is rare in the general population with a frequency below the threshold expected for the associated phenotype(s). This variant has been observed in one or more individuals affected with the associated recessive disease, as either homozygous or compound heterozygous with a second variant (PMID: 25222778, 27391121, 33686258). Given the available evidence, this variant is classified as Pathogenic.

GeneDx
Classification: Pathogenic. Last evaluated: 2025-08-15. Review status: criteria provided, single submitter. Criteria: GeneDx Variant Classification Process June 2021. Collection method: clinical testing. Allele origin: germline. Affected: yes.
Comment: Identified with a second SUMF1 variant in patients with MSD-related features in the published literature, but it is not known whether the variants occurred on the same (in cis) or on different (in trans) chromosomes (PMID: 27391121, 38229637, 33686258); Frameshift variant predicted to result in protein truncation or nonsense mediated decay in a gene for which loss of function is a known mechanism of disease; This variant is associated with the following publications: (PMID: 25222778, 33686258, 27391121, 38229637)

Dubai Health Genomic Medicine Center, Dubai Health
Classification: Pathogenic for Multiple sulfatase deficiency. Last evaluated: 2024-10-04. Review status: criteria provided, single submitter. Criteria: ACMG Guidelines, 2015. Collection method: research. Allele origin: germline. Affected: yes.
Comment: PVS1,PM2,PM3

Fulgent Genetics
Classification: Pathogenic for Multiple sulfatase deficiency. Last evaluated: 2024-03-01. Review status: criteria provided, single submitter. Criteria: ACMG Guidelines, 2015. Collection method: clinical testing. Allele origin: germline.

Labcorp Genetics (formerly Invitae), Labcorp
Classification: Pathogenic for Multiple sulfatase deficiency. Last evaluated: 2023-12-09. Review status: criteria provided, single submitter. Criteria: Invitae Variant Classification Sherloc (09022015). Collection method: clinical testing. Allele origin: germline.
Comment: This sequence change creates a premature translational stop signal (p.Trp231Leufs*11) in the SUMF1 gene. It is expected to result in an absent or disrupted protein product. Loss-of-function variants in SUMF1 are known to be pathogenic (PMID: 12757705, 12757706, 25885655). This variant is present in population databases (rs748337915, gnomAD 0.02%). This premature translational stop signal has been observed in individual(s) with multiple sulphatase deficiency (PMID: 25222778). ClinVar contains an entry for this variant (Variation ID: 928845). For these reasons, this variant has been classified as Pathogenic.

Revvity Omics, Revvity
Classification: Pathogenic for Multiple sulfatase deficiency. Last evaluated: 2022-06-02. Review status: criteria provided, single submitter. Criteria: ACMG Guidelines, 2015. Collection method: clinical testing. Allele origin: germline.

Women's Health and Genetics/Laboratory Corporation of America, LabCorp
Classification: Pathogenic for Multiple sulfatase deficiency. Last evaluated: 2022-02-07. Review status: criteria provided, single submitter. Criteria: LabCorp Variant Classification Summary - May 2015. Collection method: clinical testing. Allele origin: germline.
Comment: Variant summary: SUMF1 c.691dupT (p.Trp231LeufsX11) results in a premature termination codon, predicted to cause a truncation of the encoded protein or absence of the protein due to nonsense mediated decay, which are commonly known mechanisms for disease. Truncations downstream of this position have been classified as pathogenic by our laboratory. The variant allele was found at a frequency of 2.4e-05 in 251400 control chromosomes. c.691dupT has been reported in the literature in individuals affected with Multiple Sulfatase Deficiency (Kotecha_2014, Al-Shamsi_2016, Al-Kouatly_2021). Three clinical diagnostic laboratories have submitted clinical-significance assessments for this variant to ClinVar after 2014 without evidence for independent evaluation. All laboratories classified the variant as pathogenic/likely pathogenic. Based on the evidence outlined above, the variant was classified as pathogenic.

Genome-Nilou Lab
Classification: Pathogenic for Multiple sulfatase deficiency. Last evaluated: 2021-09-05. Review status: criteria provided, single submitter. Criteria: ACMG Guidelines, 2015. Collection method: clinical testing. Allele origin: germline. Affected: no.

Literature cited by the submitters: PubMed 25222778 (cited by 3 submitters); PubMed 27391121 (cited by Natera, Inc. and Women's Health and Genetics/Laboratory Corporation of America, LabCorp); PubMed 33686258 (cited by Natera, Inc. and Women's Health and Genetics/Laboratory Corporation of America, LabCorp); PubMed 12757705 (cited by Labcorp Genetics (formerly Invitae), Labcorp); PubMed 12757706 (cited by Labcorp Genetics (formerly Invitae), Labcorp); PubMed 25885655 (cited by Labcorp Genetics (formerly Invitae), Labcorp).